The following is an entry in ClinVar:

NM_001267550.2(TTN):c.105590G>A (p.Gly35197Asp)

Genes: TTN (titin; minus strand), TTN-AS1 (TTN antisense RNA 1; plus strand), LOC129935183 (ATAC-STARR-seq lymphoblastoid active region 16808; plus strand). Cytogenetic location: 2q31.2.
Variant type: single nucleotide variant.
Coding change: c.105590G>A on transcript NM_001267550.2 (MANE Select); coding-DNA position 105590, G replaced by A.
Protein change: p.Gly35197Asp; replaces glycine 35197 with aspartic acid.
Molecular consequence: missense variant.
Genome position (GRCh38, 1-based): chr2:178,531,025, C>T on the plus strand (G>A on the coding strand, the complement: TTN is on the minus strand). VCF-style: chr2-178531025-C-T. GRCh37 (hg19) VCF-style: chr2-179395752-C-T.
Other names: p.G33556D:GGC>GAC; c.100667G>A, p.Gly33556Asp (NM_001256850.1); c.97886G>A, p.Gly32629Asp (NM_133378.4); c.78395G>A, p.Gly26132Asp (NM_003319.4); c.78770G>A, p.Gly26257Asp (NM_133432.3); c.78971G>A, p.Gly26324Asp (NM_133437.4); c.105590G>A (NM_001267550.1); short protein forms G35197D, G32629D, G33556D, G26132D, G26257D, G26324D.
Identifiers: ClinVar variation 47695 (VCV000047695.19), dbSNP rs397517796, ClinGen allele CA141730.

ClinVar aggregate classification (germline): Conflicting classifications of pathogenicity. Review status: criteria provided, conflicting classifications (1 of 4 stars). 8 submissions from 8 submitters: Uncertain significance (6); Likely benign (1). 1 of the submissions does not count toward it. Last evaluated 2026-07-20.

Conditions:
TTN-related disorder. Also called: TTN-related condition; TTN-related disease; TTN-related disorders.
Myopathy, myofibrillar, 9, with early respiratory failure (MFM9). Also called: Hereditary myopathy with early respiratory failure; EDSTROM MYOPATHY; MYOPATHY, PROXIMAL, WITH EARLY RESPIRATORY MUSCLE INVOLVEMENT; Myopathy, distal, with early respiratory failure, autosomal dominant. Identifiers: Orphanet 178464, Orphanet 34521, MedGen C1863599, MONDO:0011362, OMIM 603689.
Autosomal recessive limb-girdle muscular dystrophy type 2J (LGMDR10). Also called: Limb-girdle muscular dystrophy, type 2J; MUSCULAR DYSTROPHY, LIMB-GIRDLE, AUTOSOMAL RECESSIVE 10. Identifiers: Orphanet 140922, MedGen C1837342, MONDO:0012127, OMIM 608807.
Early-onset myopathy with fatal cardiomyopathy (CMYO5). Also called: Salih Myopathy; CONGENITAL MYOPATHY 5 WITH CARDIOMYOPATHY. Identifiers: Orphanet 289377, MedGen C2673677, MONDO:0012714, OMIM 611705. Disease mechanism: loss of function.
Hypertrophic cardiomyopathy 9. Also called: Familial hypertrophic cardiomyopathy 9. Identifiers: MedGen C1861065, MONDO:0013412, OMIM 613765.
Dilated cardiomyopathy 1G (CMD1G). Identifiers: Orphanet 154, MedGen C1858763, MONDO:0011400, OMIM 604145.
Tibial muscular dystrophy (TMD). Also called: Tibial muscular dystrophy, tardive; UDD MYOPATHY; Udd Distal Myopathy – Tibial Muscular Dystrophy. Identifiers: Orphanet 609, MedGen C1838244, MONDO:0010870, OMIM 600334.

Allele frequency attached by ClinVar (database versions not stated): gnomAD 0.00003; ExAC 0.00004; gnomAD exomes 0.00004 and 0.00006; TOPMed 0.00004.
gnomAD v4.1: 70 of 1,613,774 alleles (0.0043%); highest among the groups gnomAD compares: Middle Eastern, 0.033%; 1 homozygote.

Submissions (8):

PreventionGenetics, part of Exact Sciences
Classification: Uncertain significance for TTN-related condition. Last evaluated: 2026-07-20. Review status: criteria provided, single submitter. Criteria: ACMG Guidelines, 2015. Collection method: clinical testing. Allele origin: germline.
Comment: The TTN c.105590G>A variant is predicted to result in the amino acid substitution p.Gly35197Asp. This variant has been reported in individuals with dilated cardiomyopathy; however, one of the individuals also carried a pathogenic RBM20 variant which could explain the clinical feature (described as p.Gly32629Asp in Table S1, Pugh et al. 2014. PubMed ID: 24503780; described as p.Gly26324Asp in Table S6, Haas et al. 2015. PubMed ID: 25163546). This variant is reported in 0.012% of alleles in individuals of European (Non-Finnish) descent in gnomAD. At this time, the clinical significance of this variant is uncertain due to the absence of conclusive functional and genetic evidence.

Labcorp Genetics (formerly Invitae), Labcorp
Classification: Uncertain significance for Dilated cardiomyopathy 1G; Autosomal recessive limb-girdle muscular dystrophy type 2J. Last evaluated: 2025-12-15. Review status: criteria provided, single submitter. Criteria: Invitae Variant Classification Sherloc (09022015). Collection method: clinical testing. Allele origin: germline.
Comment: This sequence change replaces glycine, which is neutral and non-polar, with aspartic acid, which is acidic and polar, at codon 35197 of the TTN protein (p.Gly35197Asp). This variant is present in population databases (rs397517796, gnomAD 0.01%). This missense change has been observed in individual(s) with dilated cardiomyopathy (PMID: 25163546). ClinVar contains an entry for this variant (Variation ID: 47695). Experimental studies and prediction algorithms are not available or were not evaluated, and the functional significance of this variant is currently unknown. This variant is located in the M band of TTN (PMID: 25589632). Non-truncating variants in this region may be relevant for neuromuscular disorders, but have not been definitively shown to cause cardiomyopathy (PMID: 23975875). In summary, the available evidence is currently insufficient to determine the role of this variant in disease. Therefore, it has been classified as a Variant of Uncertain Significance.

Revvity Omics, Revvity
Classification: Uncertain significance. Last evaluated: 2025-04-11. Review status: criteria provided, single submitter. Criteria: ACMG Guidelines, 2015. Collection method: clinical testing. Allele origin: germline.

Blueprint Genetics
Classification: Likely benign. Last evaluated: 2024-11-22. Review status: criteria provided, single submitter. Criteria: ACMG Guidelines, 2015. Collection method: clinical testing. Allele origin: germline.

Athena Diagnostics
Classification: Uncertain significance. Last evaluated: 2023-09-01. Review status: criteria provided, single submitter. Criteria: Athena Diagnostics Criteria. Collection method: clinical testing. Allele origin: unknown.
Comment: Available data are insufficient to determine the clinical significance of the variant at this time. The frequency of this variant in the general population is uninformative in assessment of its pathogenicity. This variant has been seen where an alternate explanation for disease was also identified, suggesting this variant may not cause disease. Computational tools disagree on the variant's effect on normal protein function.

Fulgent Genetics
Classification: Uncertain significance for Tibial muscular dystrophy; Myopathy, myofibrillar, 9, with early respiratory failure; Dilated cardiomyopathy 1G; Autosomal recessive limb-girdle muscular dystrophy type 2J; Early-onset myopathy with fatal cardiomyopathy; Hypertrophic cardiomyopathy 9. Last evaluated: 2021-09-30. Review status: criteria provided, single submitter. Criteria: ACMG Guidelines, 2015. Collection method: clinical testing. Allele origin: unknown.

Laboratory for Molecular Medicine, Mass General Brigham Personalized Medicine
Classification: Uncertain significance. Last evaluated: 2012-02-23. Review status: criteria provided, single submitter. Criteria: LMM Criteria. Collection method: clinical testing. Allele origin: germline. Observed: 2 variant alleles.
Comment: This variant has also been identified in 1/6692 European American chromosomes from a broad population by the NHLBI Exome Sequencing Proj ect. Glycine (Gly) at position 32629 is highl y conserved in evolutionarily distant species, increasing the likelihood that a change would not be tolerated. Computational tools are mixed on the predicted im pact to the protein (AlignGVGD = benign, SIFT = pathogenic), though the accuracy of these tools is unknown. Additional information is needed to fully assess the Gly32629Asp variant.

GeneDx
No classification provided. Last evaluated: 2013-03-01. Review status: no classification provided. Criteria: GeneDx Variant Classification (06012015). Collection method: clinical testing. Allele origin: germline. Affected: yes. Not counted in ClinVar's aggregate classification.
Comment: Missense variants in the TTN gene are considered 'unclassified' if they are not previously reported in the literature and do not have >1% frequency in the population to be considered a polymorphism. Research indicates that truncating mutations in the TTN gene are expected to account for approximately 25% of familial and 18% of sporadic idiopathic DCM; however, truncating variants in the TTN gene have been reported in approximately 3% of reported control alleles. There has been little investigation into non-truncating variants. (Herman D et al. Truncations of titin causing dilated cardiomyopathy. N Eng J Med 366:619-628, 2012) The variant is found in DCM panel(s).

Literature cited by the submitters: PubMed 25163546 (cited by Labcorp Genetics (formerly Invitae), Labcorp and Athena Diagnostics); PubMed 25589632 (cited by Labcorp Genetics (formerly Invitae), Labcorp); PubMed 23975875 (cited by Labcorp Genetics (formerly Invitae), Labcorp); PubMed 31983221 (cited by Athena Diagnostics); PubMed 24503780 (cited by Athena Diagnostics).